The following is an entry in ClinVar:

NM_024675.4(PALB2):c.3298_3307del (p.Thr1100fs)

Gene: PALB2 (partner and localizer of BRCA2; minus strand). Cytogenetic location: 16p12.2.
Variant type: Deletion.
Coding change: c.3298_3307del on transcript NM_024675.4 (MANE Select); coding-DNA positions 3298 to 3307, 10 bases deleted (ACTCTCAGCG; older notation c.3298_3307delACTCTCAGCG).
Protein change: p.Thr1100fs; shifts the reading frame from threonine 1100.
Molecular consequence: frameshift variant. On other transcripts: intron variant (8).
Genome position (GRCh38, 1-based): chr16:23,607,907-23,607,916, CGCTGAGAGT deleted on the plus strand (ACTCTCAGCG on the coding strand, the reverse complement: PALB2 is on the minus strand); deleting any 10 consecutive bases within chr16:23,607,907-23,607,918 gives the same sequence; the c. name uses the placement nearest the transcript's 3' end. VCF-style (leftmost placement, unchanged base first): chr16-23607906-ACGCTGAGAGT-A. GRCh37 (hg19) VCF-style: chr16-23619227-ACGCTGAGAGT-A.
Other names: c.3238_3247del, p.Thr1080fs (NM_001407296.1); c.3226_3235del, p.Thr1076fs (NM_001407297.1); c.3136_3145del, p.Thr1046fs (NM_001407298.1); c.3019_3028del, p.Thr1007fs (NM_001407300.1); c.2413_2422del, p.Thr805fs (NM_001407304.1, NM_001407305.1, NM_001407306.1); c.2251_2260del, p.Thr751fs (NM_001407307.1); c.1510_1519del, p.Thr504fs (NM_001407312.1); c.832_841del, p.Thr278fs (NM_001407314.1); and 7 more; short protein forms T1007fs, T1046fs, T1076fs, T1080fs, T1100fs, T278fs, T504fs, T751fs.
Identifiers: ClinVar variation 2674126 (VCV002674126.5), dbSNP rs2506214884, ClinGen allele CA2695197585.

ClinVar aggregate classification (germline): Pathogenic/Likely pathogenic. Review status: criteria provided, multiple submitters, no conflicts (2 of 4 stars). 3 submissions from 3 submitters: Pathogenic (2); Likely pathogenic (1). Last evaluated 2024-03-26.

Conditions:
Hereditary cancer-predisposing syndrome. Also called: Tumor predisposition; Hereditary neoplastic syndrome; Neoplastic Syndromes, Hereditary; Hereditary Cancer Syndrome. Identifiers: Orphanet 140162, MedGen C0027672, MeSH D009386, MONDO:0015356.
Familial cancer of breast. Also called: Hereditary breast cancer; BREAST CANCER, FAMILIAL; hereditary breast carcinoma. Identifiers: Orphanet 227535, MedGen C0346153, MONDO:0016419, OMIM 114480. Disease mechanism: loss of function.

Submissions (3):

Labcorp Genetics (formerly Invitae), Labcorp
Classification: Pathogenic for Familial cancer of breast. Last evaluated: 2024-03-26. Review status: criteria provided, single submitter. Criteria: Invitae Variant Classification Sherloc (09022015). Collection method: clinical testing. Allele origin: germline.
Comment: This sequence change creates a premature translational stop signal (p.Thr1100Trpfs*3) in the PALB2 gene. While this is not anticipated to result in nonsense mediated decay, it is expected to disrupt the last 87 amino acid(s) of the PALB2 protein. This variant is not present in population databases (gnomAD no frequency). This variant has not been reported in the literature in individuals affected with PALB2-related conditions. Algorithms developed to predict the effect of sequence changes on RNA splicing suggest that this variant may disrupt the consensus splice site. This variant disrupts a region of the PALB2 protein in which other variant(s) (p.Tyr1183*) have been determined to be pathogenic (PMID: 17200671, 19609323, 20927582, 21165770). This suggests that this is a clinically significant region of the protein, and that variants that disrupt it are likely to be disease-causing. For these reasons, this variant has been classified as Pathogenic.

Ambry Genetics
Classification: Likely pathogenic for Hereditary cancer-predisposing syndrome. Last evaluated: 2023-11-08. Review status: criteria provided, single submitter. Criteria: Ambry Variant Classification Scheme 2023. Collection method: clinical testing. Allele origin: germline.
Comment: The c.3298_3307del10 variant, located in coding exon 12 of the PALB2 gene, results from a deletion of 10 nucleotides at nucleotide positions 3298 to 3307, causing a translational frameshift with a predicted alternate stop codon (p.T1100Wfs*3). This alteration occurs at the 3' terminus of thePALB2 gene, is not expected to trigger nonsense-mediated mRNA decay, and only impacts the last 7% of the protein. However, premature stop codons are typically deleterious in nature and a significant portion of the protein is affected (Ambry internal data). This variant is considered to be rare based on population cohorts in the Genome Aggregation Database (gnomAD). Based on the majority of available evidence to date, this variant is likely to be pathogenic.

Myriad Genetics, Inc.
Classification: Pathogenic for Familial cancer of breast. Last evaluated: 2023-09-15. Review status: criteria provided, single submitter. Criteria: Myriad Autosomal Dominant, Autosomal Recessive and X-Linked Classification Criteria (2023). Collection method: clinical testing. Allele origin: unknown.
Comment: This variant is considered pathogenic. This variant creates a frameshift predicted to result in premature protein truncation.

Literature cited by the submitters: PubMed 17200671 (cited by Labcorp Genetics (formerly Invitae), Labcorp); PubMed 19609323 (cited by Labcorp Genetics (formerly Invitae), Labcorp); PubMed 20927582 (cited by Labcorp Genetics (formerly Invitae), Labcorp); PubMed 21165770 (cited by Labcorp Genetics (formerly Invitae), Labcorp).